The following is an entry in ClinVar:

ClinVar aggregate classification (germline): Uncertain significance (1 of 4 stars; one submission).

Allele frequency attached by ClinVar (database versions not stated): gnomAD exomes 0.00001; ExAC 0.00002.
gnomAD v4.1: 7 of 1,614,000 alleles (0.00043%); highest among the groups gnomAD compares: East Asian, 0.0045%; no homozygotes.

Submission:

Labcorp Genetics (formerly Invitae), Labcorp
Classification: Uncertain significance. Last evaluated: 2021-04-23. Review status: criteria provided, single submitter. Criteria: Invitae Variant Classification Sherloc (09022015). Collection method: clinical testing. Allele origin: germline.
Comment: This sequence change replaces arginine with glutamine at codon 451 of the DEAF1 protein (p.Arg451Gln). The arginine residue is highly conserved and there is a small physicochemical difference between arginine and glutamine. This variant is present in population databases (rs757975287, ExAC 0.006%). This variant has been observed in individual(s) with clinical features of DEAF1-related conditions (Invitae). Algorithms developed to predict the effect of missense changes on protein structure and function are either unavailable or do not agree on the potential impact of this missense change (SIFT: "Tolerated"; PolyPhen-2: "Possibly Damaging"; Align-GVGD: "Class C0"). In summary, the available evidence is currently insufficient to determine the role of this variant in disease. Therefore, it has been classified as a Variant of Uncertain Significance.

NM_021008.4(DEAF1):c.1352G>A (p.Arg451Gln)

Genes: DEAF1 (DEAF1 transcription factor; minus strand), LOC126861109 (BRD4-independent group 4 enhancer GRCh37_chr11:673917-675116; plus strand). Cytogenetic location: 11p15.5.
Variant type: single nucleotide variant.
Coding change: c.1352G>A on transcript NM_021008.4 (MANE Select); coding-DNA position 1352, G replaced by A.
Protein change: p.Arg451Gln; replaces arginine 451 with glutamine.
Molecular consequence: missense variant.
Genome position (GRCh38, 1-based): chr11:674,687, C>T on the plus strand (G>A on the coding strand, the complement: DEAF1 is on the minus strand). VCF-style: chr11-674687-C-T. GRCh37 (hg19) VCF-style: chr11-674687-C-T.
Other names: c.1085G>A, p.Arg362Gln (NM_001293634.2); c.626G>A, p.Arg209Gln (NM_001367390.1); short protein forms R209Q, R362Q, R451Q.
Identifiers: ClinVar variation 1412188 (VCV001412188.8), dbSNP rs757975287, ClinGen allele CA5786231.